The following is an entry in ClinVar:

NM_007294.4(BRCA1):c.1231G>A (p.Asp411Asn)

Gene: BRCA1 (BRCA1 DNA repair associated; minus strand). Cytogenetic location: 17q21.31.
Variant type: single nucleotide variant.
Coding change: c.1231G>A on transcript NM_007294.4 (MANE Select); coding-DNA position 1231, G replaced by A.
Protein change: p.Asp411Asn; replaces aspartic acid 411 with asparagine.
Molecular consequence: missense variant. On other transcripts: intron variant (137).
Genome position (GRCh38, 1-based): chr17:43,094,300, C>T on the plus strand (G>A on the coding strand, the complement: BRCA1 is on the minus strand). VCF-style: chr17-43094300-C-T. GRCh37 (hg19) VCF-style: chr17-41246317-C-T.
Other names: c.1018G>A, p.Asp340Asn (NM_001407571.1, NM_001407853.1, NM_001407894.1 and 9 more transcripts); c.1231G>A, p.Asp411Asn (NM_001407581.1, NM_001407582.1, NM_001407583.1 and 30 more transcripts); c.1228G>A, p.Asp410Asn (NM_001407587.1, NM_001407590.1, NM_001407591.1 and 22 more transcripts); c.1222G>A, p.Asp408Asn (NM_001407646.1, NM_001407647.1); c.1108G>A, p.Asp370Asn (NM_001407648.1, NM_001407664.1, NM_001407665.1 and 19 more transcripts); c.1105G>A, p.Asp369Asn (NM_001407649.1, NM_001407670.1, NM_001407671.1 and 11 more transcripts); c.1153G>A, p.Asp385Asn (NM_001407653.1, NM_001407654.1, NM_001407655.1 and 4 more transcripts); c.1150G>A, p.Asp384Asn (NM_001407659.1, NM_001407660.1, NM_001407661.1 and 1 more transcripts); and 40 more; short protein forms D411N, D364N, D115N, D284N, D343N, D370N, D408N, D283N.
Identifiers: ClinVar variation 54168 (VCV000054168.19), dbSNP rs80357301, ClinGen allele CA000807.

ClinVar aggregate classification (germline): Conflicting classifications of pathogenicity. Review status: criteria provided, conflicting classifications (1 of 4 stars). 4 submissions from 4 submitters: Uncertain significance (2); Likely benign (1). 1 of the submissions does not count toward it. Last evaluated 2025-04-14.

Conditions:
Hereditary cancer-predisposing syndrome. Also called: Tumor predisposition; Neoplastic Syndromes, Hereditary; Hereditary Cancer Syndrome; Hereditary neoplastic syndrome. Identifiers: Orphanet 140162, MedGen C0027672, MeSH D009386, MONDO:0015356.
Hereditary breast ovarian cancer syndrome. Also called: Hereditary breast and ovarian cancer syndrome (HBOC); Hereditary breast and ovarian cancer syndrome; Hereditary breast and ovarian cancer; Hereditary breast and/or ovarian cancer syndrome; Breast and ovarian cancer; BRCA1- and BRCA2-Associated Hereditary Breast and Ovarian Cancer. Identifiers: Orphanet 145, MedGen C0677776, MeSH D061325, MONDO:0003582. Disease mechanism: loss of function.
Breast-ovarian cancer, familial, susceptibility to, 1 (BROVCA1). Also called: OVARIAN CANCER, SUSCEPTIBILITY TO; BRCA1 Hereditary Breast and Ovarian Cancer. Identifiers: Orphanet 145, MedGen C2676676, MONDO:0011450, OMIM 604370. Disease mechanism: loss of function.

Allele frequency attached by ClinVar (database versions not stated): gnomAD exomes below 0.00001.

Submissions (4):

Ambry Genetics
Classification: Uncertain significance for Hereditary cancer-predisposing syndrome. Last evaluated: 2025-04-14. Review status: criteria provided, single submitter. Criteria: Ambry Variant Classification Scheme 2023. Collection method: clinical testing. Allele origin: germline.
Comment: The p.D411N variant (also known as c.1231G>A), located in coding exon 9 of the BRCA1 gene, results from a G to A substitution at nucleotide position 1231. The aspartic acid at codon 411 is replaced by asparagine, an amino acid with highly similar properties. In one study, this alteration was reported to be neutral based on results from a prediction model that uses evolutionary conservation scores (Abkevich et al. J Med Genet. 2004; 41:492&ndash;507). In another study, this alteration was predicted to be conferring low oncogenic risk based on a prediction model that also uses evolutionary conservation scores (Burk-Herrick et al. Mammalian Genome. 2006; 17:257-270). This amino acid position is poorly conserved in available vertebrate species. In addition, this alteration is predicted to be tolerated by in silico analysis. Since supporting evidence is limited at this time, the clinical significance of this alteration remains unclear.

University of Washington Department of Laboratory Medicine, University of Washington
Classification: Likely benign for Hereditary cancer-predisposing syndrome. Last evaluated: 2023-03-23. Review status: criteria provided, single submitter. Criteria: Dines et al. (Genet Med. 2020). Collection method: curation. Allele origin: germline.
Comment: Missense variant in a coldspot region where missense variants are very unlikely to be pathogenic (PMID:31911673).

BRCA1 coldspot (exon 11 using historical exon numbering). Reclassification based on statistical prior probability

Labcorp Genetics (formerly Invitae), Labcorp
Classification: Uncertain significance for Hereditary breast ovarian cancer syndrome. Last evaluated: 2022-08-22. Review status: criteria provided, single submitter. Criteria: Invitae Variant Classification Sherloc (09022015). Collection method: clinical testing. Allele origin: germline.
Comment: In summary, the available evidence is currently insufficient to determine the role of this variant in disease. Therefore, it has been classified as a Variant of Uncertain Significance. Advanced modeling of protein sequence and biophysical properties (such as structural, functional, and spatial information, amino acid conservation, physicochemical variation, residue mobility, and thermodynamic stability) performed at Invitae indicates that this missense variant is not expected to disrupt BRCA1 protein function. ClinVar contains an entry for this variant (Variation ID: 54168). This variant has not been reported in the literature in individuals affected with BRCA1-related conditions. This variant is present in population databases (rs80357301, gnomAD 0.0009%). This sequence change replaces aspartic acid, which is acidic and polar, with asparagine, which is neutral and polar, at codon 411 of the BRCA1 protein (p.Asp411Asn).

Breast Cancer Information Core (BIC) (BRCA1)
Classification: Uncertain significance for Breast-ovarian cancer, familial 1. Last evaluated: 2002-05-29. Review status: no assertion criteria provided. Collection method: clinical testing. Allele origin: germline. Affected: yes. Observed: 2 variant alleles. Not counted in ClinVar's aggregate classification.